The following is an entry in ClinVar:

NM_000292.3(PHKA2):c.3326C>A (p.Thr1109Lys)

Gene: PHKA2 (phosphorylase kinase regulatory subunit alpha 2; minus strand). Cytogenetic location: Xp22.13.
Variant type: single nucleotide variant.
Coding change: c.3326C>A on transcript NM_000292.3 (MANE Select); coding-DNA position 3326, C replaced by A.
Protein change: p.Thr1109Lys; replaces threonine 1109 with lysine.
Molecular consequence: missense variant.
Genome position (GRCh38, 1-based): chrX:18,895,148, G>T on the plus strand (C>A on the coding strand, the complement: PHKA2 is on the minus strand). VCF-style: chrX-18895148-G-T. GRCh37 (hg19) VCF-style: chrX-18913266-G-T.
Other names: short protein forms T1109K.
Identifiers: ClinVar variation 998860 (VCV000998860.8), dbSNP rs780391791, ClinGen allele CA10361345.
Genomic context (GRCh38, chrX:18,895,148, plus strand): 5'-CTTATTGTGAACCCACAGAGGGGCCCGCCTCTGCGTTTTTCTCATCGTACCTCTCGGGTC[G>T]TCGAGGATGGGAGGACATAACCATCGATGGAGAGACCGTGGCACTGGAGGCAGAATAGAG-3'
Protein context (NP_000283.1, residues 1099-1119): SIDGYVLPSS[Thr1109Lys]TREMTPHEIK

ClinVar aggregate classification (germline): Uncertain significance (1 of 4 stars; one submission).

Conditions:
Glycogen storage disease IXa1. Also called: GLYCOGEN STORAGE DISEASE VIII; GSD VIII; LIVER GLYCOGENOSIS, X-LINKED, TYPE I; Glycogen storage disease 8. Identifiers: Orphanet 264580, MedGen C3694531, MONDO:0010598, OMIM 306000.

Allele frequency attached by ClinVar (database versions not stated): TOPMed 0.00003; gnomAD 0.00004 and 0.00005.
gnomAD v4.1: 33 of 1,209,138 alleles (0.0027%); highest among the groups gnomAD compares: African/African-American, 0.0035%; no homozygotes.

Submission:

Labcorp Genetics (formerly Invitae), Labcorp
Classification: Uncertain significance for Glycogen storage disease IXa1. Last evaluated: 2025-12-22. Review status: criteria provided, single submitter. Criteria: Invitae Variant Classification Sherloc (09022015). Collection method: clinical testing. Allele origin: germline.
Comment: This sequence change replaces threonine, which is neutral and polar, with lysine, which is basic and polar, at codon 1109 of the PHKA2 protein (p.Thr1109Lys). This variant is present in population databases (rs780391791, gnomAD 0.002%). This variant has not been reported in the literature in individuals affected with PHKA2-related conditions. ClinVar contains an entry for this variant (Variation ID: 998860). Invitae Evidence Modeling of protein sequence and biophysical properties (such as structural, functional, and spatial information, amino acid conservation, physicochemical variation, residue mobility, and thermodynamic stability) has been performed for this missense variant. However, the output from this modeling did not meet the statistical confidence thresholds required to predict the impact of this variant on PHKA2 protein function. In summary, the available evidence is currently insufficient to determine the role of this variant in disease. Therefore, it has been classified as a Variant of Uncertain Significance.